The following is an entry in ClinVar:

ClinVar aggregate classification (germline): Uncertain significance (1 of 4 stars; one submission).

Conditions:
Cardiomyopathy (CMYO). Also called: Cardiomyopathies. Identifiers: Orphanet 167848, MedGen C0878544, MONDO:0004994, HP:0001638. Inheritance: Various modes of inheritance.

Submission:

All of Us Research Program, National Institutes of Health
Classification: Uncertain significance for Cardiomyopathy. Last evaluated: 2024-03-14. Review status: criteria provided, single submitter. Criteria: ACMG Guidelines, 2015. Collection method: clinical testing. Allele origin: germline. Inheritance: Autosomal dominant inheritance. Observed: 1 variant allele, 1 heterozygote.
Comment: This missense variant replaces aspartic acid with tyrosine at codon 955 of the MYH7 protein. Computational prediction suggests that this variant may have deleterious impact on protein structure and function (internally defined REVEL score threshold >= 0.7, PMID: 27666373). To our knowledge, functional studies have not been reported for this variant. This variant has not been reported in individuals affected with MYH7-related disorders in the literature. This variant has not been identified in the general population by the Genome Aggregation Database (gnomAD). The available evidence is insufficient to determine the role of this variant in disease conclusively. Therefore, this variant is classified as a Variant of Uncertain Significance.

This study involves interpretation of variants in research participants for the purpose of population health screening. Participant phenotype was not available at the time of variant classification. Additional details can be found in publication PMID: 35346344, PMCID: PMC8962531

NM_000257.4(MYH7):c.2863G>T (p.Asp955Tyr)

Gene: MYH7 (myosin heavy chain 7; minus strand). Cytogenetic location: 14q11.2.
Variant type: single nucleotide variant.
Coding change: c.2863G>T on transcript NM_000257.4 (MANE Select); coding-DNA position 2863, G replaced by T.
Protein change: p.Asp955Tyr; replaces aspartic acid 955 with tyrosine.
Molecular consequence: missense variant.
Genome position (GRCh38, 1-based): chr14:23,423,966, C>A on the plus strand (G>T on the coding strand, the complement: MYH7 is on the minus strand). VCF-style: chr14-23423966-C-A. GRCh37 (hg19) VCF-style: chr14-23893175-C-A.
Other names: c.2863G>T, p.Asp955Tyr (NM_001407004.1); short protein forms D955Y.
Identifiers: ClinVar variation 3387327 (VCV003387327.1).